The following is an entry in ClinVar:

ClinVar aggregate classification (germline): Conflicting classifications of pathogenicity. Review status: criteria provided, conflicting classifications (1 of 4 stars). 9 submissions from 5 submitters: Uncertain significance (3); Likely benign (6). Last evaluated 2025-12-19.

Conditions:
Tibial muscular dystrophy (TMD). Also called: UDD MYOPATHY; Tibial muscular dystrophy, tardive; Udd Distal Myopathy – Tibial Muscular Dystrophy. Identifiers: Orphanet 609, MedGen C1838244, MONDO:0010870, OMIM 600334.
Cardiovascular phenotype. Identifiers: MedGen CN230736.
Early-onset myopathy with fatal cardiomyopathy (CMYO5). Also called: CONGENITAL MYOPATHY 5 WITH CARDIOMYOPATHY; Salih Myopathy. Identifiers: Orphanet 289377, MedGen C2673677, MONDO:0012714, OMIM 611705. Disease mechanism: loss of function.
Dilated cardiomyopathy 1G (CMD1G). Identifiers: Orphanet 154, MedGen C1858763, MONDO:0011400, OMIM 604145.
Myopathy, myofibrillar, 9, with early respiratory failure (MFM9). Also called: Hereditary myopathy with early respiratory failure; EDSTROM MYOPATHY; MYOPATHY, PROXIMAL, WITH EARLY RESPIRATORY MUSCLE INVOLVEMENT; Myopathy, distal, with early respiratory failure, autosomal dominant. Identifiers: Orphanet 178464, Orphanet 34521, MedGen C1863599, MONDO:0011362, OMIM 603689.
Autosomal recessive limb-girdle muscular dystrophy type 2J (LGMDR10). Also called: MUSCULAR DYSTROPHY, LIMB-GIRDLE, AUTOSOMAL RECESSIVE 10; Limb-girdle muscular dystrophy, type 2J. Identifiers: Orphanet 140922, MedGen C1837342, MONDO:0012127, OMIM 608807.

Allele frequency attached by ClinVar (database versions not stated): ExAC 0.00002; gnomAD exomes 0.00002 and 0.00011; gnomAD 0.00003; TOPMed 0.00008.
gnomAD v4.1: 159 of 1,610,546 alleles (0.0099%); highest among the groups gnomAD compares: Non-Finnish European, 0.013%; no homozygotes.

Submissions (9):

Labcorp Genetics (formerly Invitae), Labcorp
Classification: Likely benign for Dilated cardiomyopathy 1G; Autosomal recessive limb-girdle muscular dystrophy type 2J. Last evaluated: 2025-12-19. Review status: criteria provided, single submitter. Criteria: Invitae Variant Classification Sherloc (09022015). Collection method: clinical testing. Allele origin: germline.

Blueprint Genetics
Classification: Likely benign. Last evaluated: 2023-03-13. Review status: criteria provided, single submitter. Criteria: ACMG Guidelines, 2015. Collection method: clinical testing. Allele origin: germline.

Ambry Genetics
Classification: Likely benign for Cardiovascular phenotype. Last evaluated: 2019-01-28. Review status: criteria provided, single submitter. Criteria: Ambry Variant Classification Scheme 2023. Collection method: clinical testing. Allele origin: germline.

GeneDx
Classification: Likely benign. Last evaluated: 2018-09-28. Review status: criteria provided, single submitter. Criteria: GeneDx Variant Classification Process June 2021. Collection method: clinical testing. Allele origin: germline. Affected: yes.

Illumina Laboratory Services, Illumina
Classification: Likely benign for Tibial muscular dystrophy. Last evaluated: 2018-01-13. Review status: criteria provided, single submitter. Criteria: ICSL Variant Classification Criteria 13 December 2019. Collection method: clinical testing. Allele origin: germline.
Comment: This variant was observed in the ICSL laboratory as part of a predisposition screen in an ostensibly healthy population. It had not been previously curated by ICSL or reported in the Human Gene Mutation Database (HGMD: prior to June 1st, 2018), and was therefore a candidate for classification through an automated scoring system. Utilizing variant allele frequency, disease prevalence and penetrance estimates, and inheritance mode, an automated score was calculated to assess if this variant is too frequent to cause the disease. Based on the score and internal cut-off values, a variant classified as likely benign is not then subjected to further curation. The score for this variant resulted in a classification of likely benign for this disease.

Illumina Laboratory Services, Illumina
Classification: Uncertain significance for Dilated cardiomyopathy 1G. Last evaluated: 2018-01-13. Review status: criteria provided, single submitter. Criteria: ICSL Variant Classification Criteria 13 December 2019. Collection method: clinical testing. Allele origin: germline.

Illumina Laboratory Services, Illumina
Classification: Uncertain significance for Early-onset myopathy with fatal cardiomyopathy. Last evaluated: 2018-01-13. Review status: criteria provided, single submitter. Criteria: ICSL Variant Classification Criteria 13 December 2019. Collection method: clinical testing. Allele origin: germline.

Illumina Laboratory Services, Illumina
Classification: Likely benign for Myopathy, myofibrillar, 9, with early respiratory failure. Last evaluated: 2018-01-13. Review status: criteria provided, single submitter. Criteria: ICSL Variant Classification Criteria 13 December 2019. Collection method: clinical testing. Allele origin: germline.
Comment: the same text as in the submission from Illumina Laboratory Services, Illumina above.

Illumina Laboratory Services, Illumina
Classification: Uncertain significance for Autosomal recessive limb-girdle muscular dystrophy type 2J. Last evaluated: 2018-01-13. Review status: criteria provided, single submitter. Criteria: ICSL Variant Classification Criteria 13 December 2019. Collection method: clinical testing. Allele origin: germline.

NM_001267550.2(TTN):c.62703A>G (p.Leu20901=)

Genes: TTN (titin; minus strand), TTN-AS1 (TTN antisense RNA 1; plus strand). Cytogenetic location: 2q31.2.
Variant type: single nucleotide variant.
Coding change: c.62703A>G on transcript NM_001267550.2 (MANE Select); coding-DNA position 62703, A replaced by G.
Protein change: p.Leu20901=; no amino-acid change (leucine 20901 retained).
Molecular consequence: synonymous variant.
Genome position (GRCh38, 1-based): chr2:178,589,022, T>C on the plus strand (A>G on the coding strand, the complement: TTN is on the minus strand). VCF-style: chr2-178589022-T-C. GRCh37 (hg19) VCF-style: chr2-179453749-T-C.
Other names: c.57780A>G, p.Leu19260= (NM_001256850.1); c.35508A>G, p.Leu11836= (NM_003319.4); c.54999A>G, p.Leu18333= (NM_133378.4); c.35883A>G, p.Leu11961= (NM_133432.3); c.36084A>G, p.Leu12028= (NM_133437.4).
Identifiers: ClinVar variation 467352 (VCV000467352.21), dbSNP rs749180542, ClinGen allele CA1992189.